The following is an entry in ClinVar:

NM_000921.5(PDE3A):c.118G>A (p.Asp40Asn)

Genes: PDE3A (phosphodiesterase 3A; plus strand), PDE3A-AS1 (PDE3A antisense RNA 1; minus strand). Cytogenetic location: 12p12.2.
Variant type: single nucleotide variant.
Coding change: c.118G>A on transcript NM_000921.5 (MANE Select); coding-DNA position 118, G replaced by A.
Protein change: p.Asp40Asn; replaces aspartic acid 40 with asparagine.
Molecular consequence: missense variant. On other transcripts: 5 prime UTR variant (1).
Genome position (GRCh38, 1-based): chr12:20,369,402, G>A. VCF-style: chr12-20369402-G-A. GRCh37 (hg19) VCF-style: chr12-20522336-G-A.
Other names: c.118G>A, p.Asp40Asn (NM_001378407.1); c.-911G>A (NM_001378408.1); short protein forms D40N.
Identifiers: ClinVar variation 4701925 (VCV004701925.1).

ClinVar aggregate classification (germline): Uncertain significance (1 of 4 stars; one submission).

gnomAD v4.1: 31 of 1,552,722 alleles (0.002%); highest among the groups gnomAD compares: Non-Finnish European, 0.0026%; no homozygotes.

Submission:

Labcorp Genetics (formerly Invitae), Labcorp
Classification: Uncertain significance. Last evaluated: 2026-01-17. Review status: criteria provided, single submitter. Criteria: Invitae Variant Classification Sherloc (09022015). Collection method: clinical testing. Allele origin: germline.
Comment: This sequence change replaces aspartic acid, which is acidic and polar, with asparagine, which is neutral and polar, at codon 40 of the PDE3A protein (p.Asp40Asn). This variant is not present in population databases (gnomAD no frequency). This variant has not been reported in the literature in individuals affected with PDE3A-related conditions. An algorithm developed to predict the effect of missense changes on protein structure and function (PolyPhen-2) suggests that this variant is likely to be tolerated. In summary, the available evidence is currently insufficient to determine the role of this variant in disease. Therefore, it has been classified as a Variant of Uncertain Significance.